The following is an entry in ClinVar:

ClinVar aggregate classification (germline): Benign. Review status: criteria provided, multiple submitters, no conflicts (2 of 4 stars). 3 submissions from 2 submitters: Benign (3). Last evaluated 2018-01-13.

Conditions:
Amyotrophic lateral sclerosis type 8 (ALS8). Identifiers: Orphanet 803, MedGen C1837728, MONDO:0012077, OMIM 608627.
Adult-onset proximal spinal muscular atrophy, autosomal dominant. Also called: FINKEL LATE-ADULT TYPE SMA; Spinal muscular atrophy, late-onset, finkel type. Identifiers: Orphanet 209335, MedGen C1854058, MONDO:0008453, OMIM 182980.

Allele frequency attached by ClinVar (database versions not stated): TOPMed 0.19668; 1000 Genomes Project 30x 0.20284; 1000 Genomes Project 0.20907; gnomAD exomes 0.21533 and 0.23383; gnomAD 0.22495 and 0.22594; ExAC 0.25469.
gnomAD v4.1: 104,619 of 453,638 alleles (23%); highest among the groups gnomAD compares: East Asian, 32%; 13,394 homozygotes.

Submissions (3):

Illumina Laboratory Services, Illumina
Classification: Benign for Adult-onset proximal spinal muscular atrophy, autosomal dominant. Last evaluated: 2018-01-13. Review status: criteria provided, single submitter. Criteria: ICSL Variant Classification Criteria 13 December 2019. Collection method: clinical testing. Allele origin: germline.
Comment: This variant was observed in the ICSL laboratory as part of a predisposition screen in an ostensibly healthy population. It had not been previously curated by ICSL or reported in the Human Gene Mutation Database (HGMD: prior to June 1st, 2018), and was therefore a candidate for classification through an automated scoring system. Utilizing variant allele frequency, disease prevalence and penetrance estimates, and inheritance mode, an automated score was calculated to assess if this variant is too frequent to cause the disease. Based on the score and internal cut-off values, a variant classified as benign is not then subjected to further curation. The score for this variant resulted in a classification of benign for this disease.

Illumina Laboratory Services, Illumina
Classification: Benign for Amyotrophic lateral sclerosis type 8. Last evaluated: 2018-01-13. Review status: criteria provided, single submitter. Criteria: ICSL Variant Classification Criteria 13 December 2019. Collection method: clinical testing. Allele origin: germline.
Comment: the same text as in the submission from Illumina Laboratory Services, Illumina above.

Breakthrough Genomics
Classification: Benign. Review status: criteria provided, single submitter. Criteria: ACMG Guidelines, 2015. Collection method: not provided. Allele origin: germline. Inheritance: Autosomal dominant inheritance. Affected: yes.

NM_004738.5(VAPB):c.*5298C>T

Gene: VAPB (VAMP associated protein B and C; plus strand). Cytogenetic location: 20q13.32.
Variant type: single nucleotide variant.
Coding change: c.*5298C>T on transcript NM_004738.5 (MANE Select); 5298 bases downstream of the stop codon, C replaced by T.
Molecular consequence: 3 prime UTR variant. On other transcripts: non-coding transcript variant (1).
Genome position (GRCh38, 1-based): chr20:58,449,533, C>T. VCF-style: chr20-58449533-C-T. GRCh37 (hg19) VCF-style: chr20-57024589-C-T.
Other names: c.*5368C>T (NM_001195677.2).
Identifiers: ClinVar variation 339006 (VCV000339006.7), dbSNP rs6015275, ClinGen allele CA9924627.